The following is an entry in ClinVar:

NM_001039958.2(MESP2):c.67G>A (p.Gly23Ser)

Gene: MESP2 (mesoderm posterior bHLH transcription factor 2; plus strand). Cytogenetic location: 15q26.1.
Variant type: single nucleotide variant.
Coding change: c.67G>A on transcript NM_001039958.2 (MANE Select); coding-DNA position 67, G replaced by A.
Protein change: p.Gly23Ser; replaces glycine 23 with serine.
Molecular consequence: missense variant.
Genome position (GRCh38, 1-based): chr15:89,776,424, G>A. VCF-style: chr15-89776424-G-A. GRCh37 (hg19) VCF-style: chr15-90319655-G-A.
Other names: short protein forms G23S.
Identifiers: ClinVar variation 731465 (VCV000731465.15), dbSNP rs548112443, ClinGen allele CA7730356.

ClinVar aggregate classification (germline): Likely benign. Review status: criteria provided, multiple submitters, no conflicts (2 of 4 stars). 4 submissions from 4 submitters: Likely benign (2). 2 of the submissions do not count toward it. Last evaluated 2025-12-27.

Conditions:
MESP2-related disorder. Also called: MESP2-related condition.
Spondylocostal dysostosis 2, autosomal recessive (SCDO2). Also called: MESP2-Related Spondylocostal Dysostosis, Autosomal Recessive; Spondylocostal dysostosis type 2. Identifiers: Orphanet 2311, MedGen C1837549, MONDO:0012097, OMIM 608681.

Allele frequency attached by ClinVar (database versions not stated): gnomAD exomes 0.00008 and 0.00026; ExAC 0.00009; 1000 Genomes Project 0.00060; 1000 Genomes Project 30x 0.00062; gnomAD 0.00092 and 0.00101; TOPMed 0.00097.

Submissions (4):

Labcorp Genetics (formerly Invitae), Labcorp
Classification: Likely benign. Last evaluated: 2025-12-27. Review status: criteria provided, single submitter. Criteria: Invitae Variant Classification Sherloc (09022015). Collection method: clinical testing. Allele origin: germline.

Breakthrough Genomics
Classification: Likely benign. Review status: criteria provided, single submitter. Criteria: ACMG Guidelines, 2015. Collection method: not provided. Allele origin: germline. Inheritance: Autosomal recessive inheritance. Affected: yes.

PreventionGenetics, part of Exact Sciences
Classification: Likely benign for MESP2-related condition. Last evaluated: 2022-06-01. Review status: no assertion criteria provided. Collection method: clinical testing. Allele origin: germline. Not counted in ClinVar's aggregate classification.
Comment: This variant is classified as likely benign based on ACMG/AMP sequence variant interpretation guidelines (Richards et al. 2015 PMID: 25741868, with internal and published modifications).

Natera, Inc.
Classification: Benign for Spondylocostal dysostosis type 2. Last evaluated: 2020-01-30. Review status: no assertion criteria provided. Collection method: clinical testing. Allele origin: germline. Not counted in ClinVar's aggregate classification.